The following is an entry in ClinVar:

NM_001605.3(AARS1):c.1408A>G (p.Ile470Val)

Gene: AARS1 (alanyl-tRNA synthetase 1; minus strand). Cytogenetic location: 16q22.1.
Variant type: single nucleotide variant.
Coding change: c.1408A>G on transcript NM_001605.3 (MANE Select); coding-DNA position 1408, A replaced by G.
Protein change: p.Ile470Val; replaces isoleucine 470 with valine.
Molecular consequence: missense variant.
Genome position (GRCh38, 1-based): chr16:70,265,042, T>C on the plus strand (A>G on the coding strand, the complement: AARS1 is on the minus strand). VCF-style: chr16-70265042-T-C. GRCh37 (hg19) VCF-style: chr16-70298945-T-C.
Other names: short protein forms I470V.
Identifiers: ClinVar variation 1800210 (VCV001800210.2), dbSNP rs879254145, ClinGen allele CA396561276.

ClinVar aggregate classification (germline): Uncertain significance (1 of 4 stars; one submission).

Conditions:
Inborn genetic diseases. Identifiers: MedGen C0950123, MeSH D030342.

gnomAD v4.1: 1 of 1,614,176 alleles (0.000062%); highest among the groups gnomAD compares: Non-Finnish European, 0.000085%; no homozygotes.

Submission:

Ambry Genetics
Classification: Uncertain significance for Inborn genetic diseases. Last evaluated: 2020-04-13. Review status: criteria provided, single submitter. Criteria: Ambry Variant Classification Scheme 2023. Collection method: clinical testing. Allele origin: germline.
Comment: The p.I470V variant (also known as c.1408A>G), located in coding exon 10 of the AARS gene, results from an A to G substitution at nucleotide position 1408. The isoleucine at codon 470 is replaced by valine, an amino acid with highly similar properties. This amino acid position is highly conserved in available vertebrate species. In addition, the in silico prediction for this alteration is inconclusive. Since supporting evidence is limited at this time, the clinical significance of this alteration remains unclear.